The following is an entry in ClinVar:

NM_000122.2(ERCC3):c.1827+2T>G

Gene: ERCC3 (ERCC excision repair 3, TFIIH core complex helicase subunit; minus strand). Cytogenetic location: 2q14.3.
Variant type: single nucleotide variant.
Coding change: c.1827+2T>G on transcript NM_000122.2 (MANE Select); the canonical splice donor site of the intron after coding-DNA position 1827, T replaced by G.
Molecular consequence: splice donor variant.
Genome position (GRCh38, 1-based): chr2:127,272,863, A>C on the plus strand (T>G on the coding strand, the complement: ERCC3 is on the minus strand). VCF-style: chr2-127272863-A-C. GRCh37 (hg19) VCF-style: chr2-128030439-A-C.
Other names: c.1635+2T>G (NM_001303416.2, NM_001303418.2).
Identifiers: ClinVar variation 4747076 (VCV004747076.1).

ClinVar aggregate classification (germline): Likely pathogenic (1 of 4 stars; one submission).

gnomAD v4.1: 6 of 1,606,994 alleles (0.00037%); highest among the groups gnomAD compares: Non-Finnish European, 0.00043%; no homozygotes.

Submission:

Labcorp Genetics (formerly Invitae), Labcorp
Classification: Likely pathogenic. Last evaluated: 2025-12-10. Review status: criteria provided, single submitter. Criteria: Invitae Variant Classification Sherloc (09022015). Collection method: clinical testing. Allele origin: germline.
Comment: This sequence change affects a donor splice site in intron 11 of the ERCC3 gene. It is expected to disrupt RNA splicing. Variants that disrupt the donor or acceptor splice site typically lead to a loss of protein function (PMID: 16199547), and loss-of-function variants in ERCC3 are known to be pathogenic (PMID: 16947863). This variant is not present in population databases (gnomAD no frequency). This variant has not been reported in the literature in individuals affected with ERCC3-related conditions. Algorithms developed to predict the effect of sequence changes on RNA splicing suggest that this variant may disrupt the consensus splice site. In summary, the currently available evidence indicates that the variant is pathogenic, but additional data are needed to prove that conclusively. Therefore, this variant has been classified as Likely Pathogenic.

Literature cited by the submitters: PubMed 16199547; PubMed 16947863.